The following is an entry in ClinVar:

NM_153704.6(TMEM67):c.*9A>G

Gene: TMEM67 (transmembrane protein 67; plus strand). Cytogenetic location: 8q22.1.
Variant type: single nucleotide variant.
Coding change: c.*9A>G on transcript NM_153704.6 (MANE Select); 9 bases downstream of the stop codon, A replaced by G.
Molecular consequence: 3 prime UTR variant. On other transcripts: non-coding transcript variant (1).
Genome position (GRCh38, 1-based): chr8:93,816,461, A>G. VCF-style: chr8-93816461-A-G. GRCh37 (hg19) VCF-style: chr8-94828689-A-G.
Other names: c.*9A>G (NM_001142301.1).
Identifiers: ClinVar variation 4987720 (VCV004987720.1).

ClinVar aggregate classification (germline): Likely benign (1 of 4 stars; one submission).

Conditions:
TMEM67-related disorder. Also called: TMEM67-related condition; TMEM67-related disorders. Identifiers: MedGen CN239423.

gnomAD v4.1: 6 of 1,524,928 alleles (0.00039%); highest among the groups gnomAD compares: Admixed American, 0.0017%; no homozygotes.

Submission:

PreventionGenetics, part of Exact Sciences
Classification: Likely benign for TMEM67-related condition. Last evaluated: 2024-11-17. Review status: criteria provided, single submitter. Criteria: ACMG Guidelines, 2015. Collection method: clinical testing. Allele origin: germline.
Comment: This variant is classified as likely benign based on ACMG/AMP sequence variant interpretation guidelines (Richards et al. 2015 PMID: 25741868, with internal and published modifications).